The following is an entry in ClinVar:

ClinVar aggregate classification (germline): Uncertain significance (1 of 4 stars; one submission).

gnomAD v4.1: 1 of 1,613,348 alleles (0.000062%); highest among the groups gnomAD compares: South Asian, 0.0011%; no homozygotes.

Submission:

GeneDx
Classification: Uncertain significance. Last evaluated: 2026-03-25. Review status: criteria provided, single submitter. Criteria: GeneDx Variant Classification Process June 2021. Collection method: clinical testing. Allele origin: germline.
Comment: Not observed at significant frequency in large population cohorts (gnomAD); In silico analysis supports that this missense variant has a deleterious effect on protein structure/function; Has not been previously published as pathogenic or benign to our knowledge

NM_021096.4(CACNA1I):c.2747C>A (p.Pro916His)

Gene: CACNA1I (calcium voltage-gated channel subunit alpha1 I; plus strand). Cytogenetic location: 22q13.1.
Variant type: single nucleotide variant.
Coding change: c.2747C>A on transcript NM_021096.4 (MANE Select); coding-DNA position 2747, C replaced by A.
Protein change: p.Pro916His; replaces proline 916 with histidine.
Molecular consequence: missense variant.
Genome position (GRCh38, 1-based): chr22:39,661,156, C>A. VCF-style: chr22-39661156-C-A. GRCh37 (hg19) VCF-style: chr22-40057161-C-A.
Other names: c.2642C>A, p.Pro881His (NM_001003406.2); short protein forms P881H, P916H.
Identifiers: ClinVar variation 5017488 (VCV005017488.1).